The following is an entry in ClinVar:

NM_000760.4(CSF3R):c.934T>C (p.Trp312Arg)

Gene: CSF3R (colony stimulating factor 3 receptor; minus strand). Cytogenetic location: 1p34.3.
Variant type: single nucleotide variant.
Coding change: c.934T>C on transcript NM_000760.4 (MANE Select); coding-DNA position 934, T replaced by C.
Protein change: p.Trp312Arg; replaces tryptophan 312 with arginine.
Molecular consequence: missense variant.
Genome position (GRCh38, 1-based): chr1:36,472,301, A>G on the plus strand (T>C on the coding strand, the complement: CSF3R is on the minus strand). VCF-style: chr1-36472301-A-G. GRCh37 (hg19) VCF-style: chr1-36937902-A-G.
Other names: c.934T>C, p.Trp312Arg (NM_156039.3, NM_172313.3); short protein forms W312R.
Identifiers: ClinVar variation 2979112 (VCV002979112.3), dbSNP rs961932221, ClinGen allele CA20748730.
Genomic context (GRCh38, chr1:36,472,301, plus strand): 5'-GTTCGGTAGTTCTCAGCTCCAGGCTGGGGCTCCAGTCGCTCCAGTGGCCAGGCAGGGGCC[A>G]GCGGATGCAGCGTATCTGCAGGGTGTAGGCCGTGGCTGGGAGGAGCCCGCAGAGCTCATA-3'
Protein context (NP_000751.1, residues 302-322): AYTLQIRCIR[Trp312Arg]PLPGHWSDWS

ClinVar aggregate classification (germline): Uncertain significance (1 of 4 stars; one submission).

Conditions:
Autosomal recessive severe congenital neutropenia due to CSF3R deficiency. Also called: Neutropenia, severe congenital, 7, autosomal recessive. Identifiers: Orphanet 420702, MedGen C4310764, MONDO:0014865, OMIM 617014.

Allele frequency attached by ClinVar (database versions not stated): gnomAD 0.00001; TOPMed 0.00001; gnomAD exomes 0.00001.
gnomAD v4.1: 19 of 1,614,054 alleles (0.0012%); highest among the groups gnomAD compares: Non-Finnish European, 0.0015%; no homozygotes.

Submission:

Labcorp Genetics (formerly Invitae), Labcorp
Classification: Uncertain significance for Autosomal recessive severe congenital neutropenia due to CSF3R deficiency. Last evaluated: 2025-09-09. Review status: criteria provided, single submitter. Criteria: Invitae Variant Classification Sherloc (09022015). Collection method: clinical testing. Allele origin: germline.
Comment: This sequence change replaces tryptophan, which is neutral and slightly polar, with arginine, which is basic and polar, at codon 312 of the CSF3R protein (p.Trp312Arg). This variant is not present in population databases (gnomAD no frequency). This variant has not been reported in the literature in individuals affected with CSF3R-related conditions. ClinVar contains an entry for this variant (Variation ID: 2979112). Invitae Evidence Modeling of protein sequence and biophysical properties (such as structural, functional, and spatial information, amino acid conservation, physicochemical variation, residue mobility, and thermodynamic stability) indicates that this missense variant is not expected to disrupt CSF3R protein function with a negative predictive value of 80%. In summary, the available evidence is currently insufficient to determine the role of this variant in disease. Therefore, it has been classified as a Variant of Uncertain Significance.